The following is an entry in ClinVar:

NM_003070.5(SMARCA2):c.4646G>A (p.Arg1549Gln)

Gene: SMARCA2 (SWI/SNF related BAF chromatin remodeling complex subunit ATPase 2; plus strand). Cytogenetic location: 9p24.3.
Variant type: single nucleotide variant.
Coding change: c.4646G>A on transcript NM_003070.5 (MANE Select); coding-DNA position 4646, G replaced by A.
Protein change: p.Arg1549Gln; replaces arginine 1549 with glutamine.
Molecular consequence: missense variant.
Genome position (GRCh38, 1-based): chr9:2,191,317, G>A. VCF-style: chr9-2191317-G-A. GRCh37 (hg19) VCF-style: chr9-2191317-G-A.
Other names: c.4646G>A, p.Arg1549Gln (NM_001289396.2); c.4418G>A, p.Arg1473Gln (NM_001289397.2); c.620G>A, p.Arg207Gln (NM_001289398.2); c.704G>A, p.Arg235Gln (NM_001289399.2); c.710G>A, p.Arg237Gln (NM_001289400.2); c.4592G>A, p.Arg1531Gln (NM_139045.4); short protein forms R1549Q, R1531Q, R207Q, R1473Q, R235Q, R237Q.
Identifiers: ClinVar variation 915171 (VCV000915171.10), dbSNP rs201798443, ClinGen allele CA4964275.

ClinVar aggregate classification (germline): Benign/Likely benign. Review status: criteria provided, multiple submitters, no conflicts (2 of 4 stars). 4 submissions from 4 submitters: Benign (1); Likely benign (3). Last evaluated 2022-01-04.

Conditions:
Nicolaides-Baraitser syndrome (NCBRS). Also called: SMARCA2-Related Nicolaides-Baraitser Syndrome; Intellectual disability-sparse hair-brachydactyly syndrome. Identifiers: Orphanet 3051, MedGen C1303073, MONDO:0011053, OMIM 601358.
Inborn genetic diseases. Identifiers: MedGen C0950123, MeSH D030342.

Allele frequency attached by ClinVar (database versions not stated): gnomAD 0.00004; TOPMed 0.00004; gnomAD exomes 0.00005 and 0.00010; ExAC 0.00017.
gnomAD v4.1: 75 of 1,613,902 alleles (0.0046%); highest among the groups gnomAD compares: Non-Finnish European, 0.0053%; no homozygotes.

Submissions (4):

Ambry Genetics
Classification: Likely benign for Inborn genetic diseases. Last evaluated: 2022-01-04. Review status: criteria provided, single submitter. Criteria: Ambry Variant Classification Scheme 2023. Collection method: clinical testing. Allele origin: germline.

GeneDx
Classification: Likely benign. Last evaluated: 2018-11-02. Review status: criteria provided, single submitter. Criteria: GeneDx Variant Classification Process June 2021. Collection method: clinical testing. Allele origin: germline. Affected: yes.

Illumina Laboratory Services, Illumina
Classification: Benign for Nicolaides-Baraitser syndrome. Last evaluated: 2018-01-12. Review status: criteria provided, single submitter. Criteria: ICSL Variant Classification Criteria 13 December 2019. Collection method: clinical testing. Allele origin: germline.
Comment: This variant was observed in the ICSL laboratory as part of a predisposition screen in an ostensibly healthy population. It had not been previously curated by ICSL or reported in the Human Gene Mutation Database (HGMD: prior to June 1st, 2018), and was therefore a candidate for classification through an automated scoring system. Utilizing variant allele frequency, disease prevalence and penetrance estimates, and inheritance mode, an automated score was calculated to assess if this variant is too frequent to cause the disease. Based on the score and internal cut-off values, a variant classified as benign is not then subjected to further curation. The score for this variant resulted in a classification of benign for this disease.

Breakthrough Genomics
Classification: Likely benign. Review status: criteria provided, single submitter. Criteria: ACMG Guidelines, 2015. Collection method: not provided. Allele origin: germline. Inheritance: Autosomal dominant inheritance. Affected: yes.